The following is an entry in ClinVar:

ClinVar aggregate classification (germline): Likely benign (1 of 4 stars; one submission).

gnomAD v4.1: 5 of 1,613,964 alleles (0.00031%); highest among the groups gnomAD compares: Non-Finnish European, 0.00042%; no homozygotes.

Submission:

CeGaT Center for Human Genetics Tuebingen
Classification: Likely benign. Last evaluated: 2026-07-01. Review status: criteria provided, single submitter. Criteria: CeGaT Center For Human Genetics Tuebingen Variant Classification Criteria Version 2. Collection method: clinical testing. Allele origin: germline. Affected: yes. Observed: 1 variant allele.
Comment: MTF1: BP4

NM_005955.3(MTF1):c.26A>T (p.Asn9Ile)

Gene: MTF1 (metal regulatory transcription factor 1; minus strand). Cytogenetic location: 1p34.3.
Variant type: single nucleotide variant.
Coding change: c.26A>T on transcript NM_005955.3 (MANE Select); coding-DNA position 26, A replaced by T.
Protein change: p.Asn9Ile; replaces asparagine 9 with isoleucine.
Molecular consequence: missense variant.
Genome position (GRCh38, 1-based): chr1:37,857,633, T>A on the plus strand (A>T on the coding strand, the complement: MTF1 is on the minus strand). VCF-style: chr1-37857633-T-A. GRCh37 (hg19) VCF-style: chr1-38323305-T-A.
Other names: short protein forms N9I.
Identifiers: ClinVar variation 5040283 (VCV005040283.1).
Genomic context (GRCh38, chr1:37,857,633, plus strand): 5'-AACCTGAGCATTTTATCATCGGGGGTCAGCTCATCTTCCTCTGCCTCAAAGTAGATGATG[T>A]TGTTGTCTGGACTGTGTTCCCCCATGGTTCAGTTGTGCTCAGCCCAGTTGTGAGAAATGA-3'
Protein context (NP_005946.2, residues 1-19): MGEHSPDN[Asn9Ile]IIYFEAEEDE